The following is an entry in ClinVar:

ClinVar aggregate classification (germline): Conflicting classifications of pathogenicity. Review status: criteria provided, conflicting classifications (1 of 4 stars). 3 submissions from 3 submitters: Uncertain significance (1); Likely benign (2). Last evaluated 2026-09-01.

Conditions:
Postaxial polydactyly-anterior pituitary anomalies-facial dysmorphism syndrome. Also called: Culler-Jones syndrome. Identifiers: Orphanet 420584, MedGen C4014479, MONDO:0014369, OMIM 615849.
Holoprosencephaly 9 (HPE9). Also called: HOLOPROSENCEPHALY WITH MICROPHTHALMIA AND FIRST BRANCHIAL ARCH ANOMALIES; PITUITARY ANOMALIES WITH HOLOPROSENCEPHALY-LIKE FEATURES. Identifiers: Orphanet 2162, MedGen C1835819, MONDO:0012563, OMIM 610829.

Allele frequency attached by ClinVar (database versions not stated): gnomAD 0.00005; gnomAD exomes 0.00005 and 0.00011; TOPMed 0.00008; ExAC 0.00006; ESP Exome Variant Server 0.00008.
gnomAD v4.1: 172 of 1,613,950 alleles (0.011%); highest among the groups gnomAD compares: Non-Finnish European, 0.013%; 1 homozygote.

Submissions (3):

CeGaT Center for Human Genetics Tuebingen
Classification: Likely benign. Last evaluated: 2026-09-01. Review status: criteria provided, single submitter. Criteria: CeGaT Center For Human Genetics Tuebingen Variant Classification Criteria Version 2. Collection method: clinical testing. Allele origin: germline. Affected: yes. Observed: 2 variant alleles.
Comment: GLI2: BP4, BP7

Labcorp Genetics (formerly Invitae), Labcorp
Classification: Likely benign for Postaxial polydactyly-anterior pituitary anomalies-facial dysmorphism syndrome; Holoprosencephaly 9. Last evaluated: 2024-08-29. Review status: criteria provided, single submitter. Criteria: Invitae Variant Classification Sherloc (09022015). Collection method: clinical testing. Allele origin: germline.

Eurofins Ntd Llc (ga)
Classification: Uncertain significance. Last evaluated: 2018-09-13. Review status: criteria provided, single submitter. Criteria: EGL ClinVar v180209 classification definitions. Collection method: clinical testing. Allele origin: germline. Observed: 1 variant allele, 1 heterozygote.

NM_001374353.1(GLI2):c.1701T>C (p.His567=)

Gene: GLI2 (GLI family zinc finger 2; plus strand). Cytogenetic location: 2q14.2.
Variant type: single nucleotide variant.
Coding change: c.1701T>C on transcript NM_001374353.1 (MANE Select); coding-DNA position 1701, T replaced by C.
Protein change: p.His567=; no amino-acid change (histidine 567 retained).
Molecular consequence: synonymous variant.
Genome position (GRCh38, 1-based): chr2:120,984,539, T>C. VCF-style: chr2-120984539-T-C. GRCh37 (hg19) VCF-style: chr2-121742115-T-C.
Other names: c.1752T>C, p.His584= (NM_001371271.1, NM_005270.5); c.1326T>C, p.His442= (NM_001374354.1).
Identifiers: ClinVar variation 598659 (VCV000598659.16), dbSNP rs370382506, ClinGen allele CA1852004.